The following is an entry in ClinVar:

ClinVar aggregate classification (germline): Pathogenic (1 of 4 stars; one submission).

Conditions:
Hereditary hemorrhagic telangiectasia (HHT). Also called: ORW DISEASE; Osler Weber Rendu syndrome; OSLER-RENDU-WEBER DISEASE; Osler hemorrhagic telangiectasia syndrome. Identifiers: Orphanet 774, MedGen C0039445, MONDO:0019180. Disease mechanism: loss of function.

Submission:

Labcorp Genetics (formerly Invitae), Labcorp
Classification: Pathogenic for Hereditary hemorrhagic telangiectasia. Last evaluated: 2021-11-02. Review status: criteria provided, single submitter. Criteria: Invitae Variant Classification Sherloc (09022015). Collection method: clinical testing. Allele origin: germline.
Comment: This variant is not present in population databases (gnomAD no frequency). For these reasons, this variant has been classified as Pathogenic. This variant has not been reported in the literature in individuals affected with ENG-related conditions. This sequence change creates a premature translational stop signal (p.Leu194Tyrfs*134) in the ENG gene. It is expected to result in an absent or disrupted protein product. Loss-of-function variants in ENG are known to be pathogenic (PMID: 15879500).

Literature cited by the submitters: PubMed 15879500.

NM_001114753.3(ENG):c.580_596del (p.Leu194fs)

Gene: ENG (endoglin; minus strand). Cytogenetic location: 9q34.11.
Variant type: Deletion.
Coding change: c.580_596del on transcript NM_001114753.3 (MANE Select); coding-DNA positions 580 to 596, 17 bases deleted (CTCGAGTGGCGGCCGCG).
Protein change: p.Leu194fs; shifts the reading frame from leucine 194.
Molecular consequence: frameshift variant.
Genome position (GRCh38, 1-based): chr9:127,825,788-127,825,804, CGCGGCCGCCACTCGAG deleted on the plus strand (CTCGAGTGGCGGCCGCG on the coding strand, the reverse complement: ENG is on the minus strand); deleting any 17 consecutive bases within chr9:127,825,788-127,825,806 gives the same sequence; the c. name uses the placement nearest the transcript's 3' end. VCF-style (leftmost placement, unchanged base first): chr9-127825787-ACGCGGCCGCCACTCGAG-A. GRCh37 (hg19) VCF-style: chr9-130588066-ACGCGGCCGCCACTCGAG-A.
Other names: c.578_594del17, p.Leu194Tyrfs (NM_000118.4, NM_001406715.1); c.34_50del, p.Leu12fs (NM_001278138.2); short protein forms L12fs, L194fs.
Identifiers: ClinVar variation 1353949 (VCV001353949.8), dbSNP rs2131889284, ClinGen allele CA2573143985.
Genomic context (GRCh38, chr9:127,825,787, plus strand): 5'-GTGCGCCTCCTTGTGGCCGGCCACGCCTTCCAAGTGGCAGCCCCGGACCAAGGCTGGAGT[ACGCGGCCGCCACTCGAG>A]CGTGCGGCCCATGTCCTGGCTGGCTTCCAGCATGCAGAAGGACAGTGACCCCTGGGCTGC-3'